The following is an entry in ClinVar:

NM_004174.4(SLC9A3):c.1201C>G (p.Leu401Val)

Gene: SLC9A3 (solute carrier family 9 member A3). Cytogenetic location: 5p15.33.
Variant type: single nucleotide variant.
Coding change: c.1201C>G on transcript NM_004174.4 (MANE Select); coding-DNA position 1201, C replaced by G.
Protein change: p.Leu401Val; replaces leucine 401 with valine.
Molecular consequence: missense variant.
Genome position (GRCh38, 1-based): chr5:482,703, G>C on the plus strand (C>G on the coding strand, the complement: SLC9A3 is on the minus strand). VCF-style: chr5-482703-G-C. GRCh37 (hg19) VCF-style: chr5-482818-G-C.
Other names: c.1201C>G, p.Leu401Val (NM_001284351.3); short protein forms L401V.
Identifiers: ClinVar variation 1427874 (VCV001427874.6), dbSNP rs1457967392, ClinGen allele CA359027486.
Genomic context (GRCh38, chr5:482,703, plus strand): 5'-CAAAGGCCACGGCCCCGCGCAGGCCCCCGTAGGACAGGACCACCTGGTCAATGGGCTCCA[G>C]CTGCACCATGCGGTAGCGGTTCAGAAGCCAGGTCTGCAGGACCACACCTGCGGATGATGG-3'
Protein context (NP_004165.2, residues 391-411): WLLNRYRMVQ[Leu401Val]EPIDQVVLSY

ClinVar aggregate classification (germline): Uncertain significance (1 of 4 stars; one submission).

Allele frequency attached by ClinVar (database versions not stated): gnomAD exomes below 0.00001; gnomAD 0.00001; TOPMed 0.00001.
gnomAD v4.1: 3 of 1,611,830 alleles (0.00019%); highest among the groups gnomAD compares: Non-Finnish European, 0.00025%; no homozygotes.

Submission:

Labcorp Genetics (formerly Invitae), Labcorp
Classification: Uncertain significance. Last evaluated: 2020-12-19. Review status: criteria provided, single submitter. Criteria: Invitae Variant Classification Sherloc (09022015). Collection method: clinical testing. Allele origin: germline.
Comment: This sequence change replaces leucine with valine at codon 401 of the SLC9A3 protein (p.Leu401Val). The leucine residue is moderately conserved and there is a small physicochemical difference between leucine and valine. This variant is not present in population databases (ExAC no frequency). In summary, the available evidence is currently insufficient to determine the role of this variant in disease. Therefore, it has been classified as a Variant of Uncertain Significance. Algorithms developed to predict the effect of missense changes on protein structure and function are either unavailable or do not agree on the potential impact of this missense change (SIFT: "Not Available"; PolyPhen-2: "Probably Damaging"; Align-GVGD: "Not Available"). This variant has not been reported in the literature in individuals with SLC9A3-related conditions.